The following is an entry in ClinVar:

NM_001378030.1(CCDC78):c.523C>G (p.His175Asp)

Gene: CCDC78 (coiled-coil domain containing 78; minus strand). Cytogenetic location: 16p13.3.
Variant type: single nucleotide variant.
Coding change: c.523C>G on transcript NM_001378030.1 (MANE Select); coding-DNA position 523, C replaced by G.
Protein change: p.His175Asp; replaces histidine 175 with aspartic acid.
Molecular consequence: missense variant. On other transcripts: non-coding transcript variant (5).
Genome position (GRCh38, 1-based): chr16:725,115, G>C on the plus strand (C>G on the coding strand, the complement: CCDC78 is on the minus strand). VCF-style: chr16-725115-G-C. GRCh37 (hg19) VCF-style: chr16-775115-G-C.
Other names: c.523C>G, p.His175Asp (NM_001031737.3, NM_001378031.1); c.161C>G, p.Ala54Gly (NM_001378033.1); short protein forms A54G, H175D.
Identifiers: ClinVar variation 2645854 (VCV002645854.26), dbSNP rs953639339, ClinGen allele CA276520092.

ClinVar aggregate classification (germline): Uncertain significance. Review status: criteria provided, multiple submitters, no conflicts (2 of 4 stars). 2 submissions from 2 submitters: Uncertain significance (2). Last evaluated 2025-10-27.

Conditions:
Congenital myopathy with internal nuclei and atypical cores. Also called: Myopathy, centronuclear, 4. Identifiers: Orphanet 319160, MedGen C4707232, MONDO:0013890, OMIM 614807.

Submissions (2):

Labcorp Genetics (formerly Invitae), Labcorp
Classification: Uncertain significance for Congenital myopathy with internal nuclei and atypical cores. Last evaluated: 2025-10-27. Review status: criteria provided, single submitter. Criteria: Invitae Variant Classification Sherloc (09022015). Collection method: clinical testing. Allele origin: germline.
Comment: This sequence change replaces histidine, which is basic and polar, with aspartic acid, which is acidic and polar, at codon 175 of the CCDC78 protein (p.His175Asp). This variant is not present in population databases (gnomAD no frequency). This variant has not been reported in the literature in individuals affected with CCDC78-related conditions. ClinVar contains an entry for this variant (Variation ID: 2645854). Invitae Evidence Modeling of protein sequence and biophysical properties (such as structural, functional, and spatial information, amino acid conservation, physicochemical variation, residue mobility, and thermodynamic stability) indicates that this missense variant is not expected to disrupt CCDC78 protein function with a negative predictive value of 80%. In summary, the available evidence is currently insufficient to determine the role of this variant in disease. Therefore, it has been classified as a Variant of Uncertain Significance.

CeGaT Center for Human Genetics Tuebingen
Classification: Uncertain significance. Last evaluated: 2022-05-01. Review status: criteria provided, single submitter. Criteria: CeGaT Center For Human Genetics Tuebingen Variant Classification Criteria Version 2. Collection method: clinical testing. Allele origin: germline. Affected: yes. Observed: 1 variant allele.
Comment: CCDC78: PM2, BP4